The following is an entry in ClinVar:

ClinVar aggregate classification (germline): Likely pathogenic (1 of 4 stars; one submission).

Conditions:
Microcephaly, normal intelligence and immunodeficiency (NBS). Also called: SEEMANOVA SYNDROME II; BERLIN BREAKAGE SYNDROME; Nijmegen breakage syndrome; Microcephaly with normal intelligence immunodeficiency and lymphoreticular malignancies; Nonsyndromal microcephaly autosomal recessive with normal intelligence; Seemanova syndrome 2. Identifiers: Orphanet 647, MedGen C0398791, MONDO:0009623, OMIM 251260.

Submission:

Labcorp Genetics (formerly Invitae), Labcorp
Classification: Likely pathogenic for Microcephaly, normal intelligence and immunodeficiency. Last evaluated: 2023-07-01. Review status: criteria provided, single submitter. Criteria: Invitae Variant Classification Sherloc (09022015). Collection method: clinical testing. Allele origin: germline.
Comment: In summary, the currently available evidence indicates that the variant is pathogenic, but additional data are needed to prove that conclusively. Therefore, this variant has been classified as Likely Pathogenic. Algorithms developed to predict the effect of sequence changes on RNA splicing suggest that this variant may disrupt the consensus splice site. ClinVar contains an entry for this variant (Variation ID: 2035804). This variant has not been reported in the literature in individuals affected with NBN-related conditions. This variant is not present in population databases (gnomAD no frequency). This sequence change affects an acceptor splice site in intron 9 of the NBN gene. It is expected to disrupt RNA splicing. Variants that disrupt the donor or acceptor splice site typically lead to a loss of protein function (PMID: 16199547), and loss-of-function variants in NBN are known to be pathogenic (PMID: 9590180, 16415040).

Literature cited by the submitters: PubMed 16199547; PubMed 9590180; PubMed 16415040.

NM_002485.5(NBN):c.1125-1G>C

Gene: NBN (nibrin; minus strand). Cytogenetic location: 8q21.3.
Variant type: single nucleotide variant.
Coding change: c.1125-1G>C on transcript NM_002485.5 (MANE Select); the canonical splice acceptor site of the intron before coding-DNA position 1125, G replaced by C.
Molecular consequence: splice acceptor variant.
Genome position (GRCh38, 1-based): chr8:89,955,556, C>G on the plus strand (G>C on the coding strand, the complement: NBN is on the minus strand). VCF-style: chr8-89955556-C-G. GRCh37 (hg19) VCF-style: chr8-90967784-C-G.
Other names: c.879-1G>C (NM_001024688.3).
Identifiers: ClinVar variation 2035804 (VCV002035804.4), dbSNP rs1057517102, ClinGen allele CA371656546.
Genomic context (GRCh38, chr8:89,955,556, plus strand): 5'-ATTCTGAATTTTTGTTCCATTTTGGAGACTTTGATTTCTTTTGGCCTTTCACTCAAATCC[C>G]TGTAGAAAAAGAAAAGAATGCAAGGTAAATAATCAAGTTTACAGCAACTTTAATAGAGAA-3'